The following is an entry in ClinVar:

NM_182972.3(IRF2BP2):c.1319C>T (p.Ala440Val)

Gene: IRF2BP2 (interferon regulatory factor 2 binding protein 2; minus strand). Cytogenetic location: 1q42.3.
Variant type: single nucleotide variant.
Coding change: c.1319C>T on transcript NM_182972.3 (MANE Select); coding-DNA position 1319, C replaced by T.
Protein change: p.Ala440Val; replaces alanine 440 with valine.
Molecular consequence: missense variant.
Genome position (GRCh38, 1-based): chr1:234,607,582, G>A on the plus strand (C>T on the coding strand, the complement: IRF2BP2 is on the minus strand). VCF-style: chr1-234607582-G-A. GRCh37 (hg19) VCF-style: chr1-234743328-G-A.
Other names: c.1271C>T, p.Ala424Val (NM_001077397.1); short protein forms A424V, A440V.
Identifiers: ClinVar variation 4737313 (VCV004737313.1).
Genomic context (GRCh38, chr1:234,607,582, plus strand): 5'-GAGGGCGGACTGTTGCTATTCCTCCTGGTAGTGGAGTGAACCTGGTTGGCATCTTTTGAG[G>A]CATGACTGCCCCCTGCATTGTCTGCTACTAAGATCAGGGCTGCCATGGGGGACTGGCCAT-3'
Protein context (NP_892017.2, residues 430-450): LVADNAGGSH[Ala440Val]SKDANQVHST

ClinVar aggregate classification (germline): Uncertain significance (1 of 4 stars; one submission).

Submission:

Labcorp Genetics (formerly Invitae), Labcorp
Classification: Uncertain significance. Last evaluated: 2025-03-12. Review status: criteria provided, single submitter. Criteria: Invitae Variant Classification Sherloc (09022015). Collection method: clinical testing. Allele origin: germline.
Comment: This sequence change replaces alanine, which is neutral and non-polar, with valine, which is neutral and non-polar, at codon 440 of the IRF2BP2 protein (p.Ala440Val). This variant is present in population databases (rs148917444, gnomAD 0.002%). This variant has not been reported in the literature in individuals affected with IRF2BP2-related conditions. An algorithm developed to predict the effect of missense changes on protein structure and function (PolyPhen-2) suggests that this variant is likely to be disruptive. In summary, the available evidence is currently insufficient to determine the role of this variant in disease. Therefore, it has been classified as a Variant of Uncertain Significance.